The following is an entry in ClinVar:

ClinVar aggregate classification (germline): Uncertain significance. Review status: criteria provided, multiple submitters, no conflicts (2 of 4 stars). 2 submissions from 2 submitters: Uncertain significance (2). Last evaluated 2024-09-30.

Allele frequency attached by ClinVar (database versions not stated): gnomAD 0.00001; TOPMed 0.00001.
gnomAD v4.1: 1 of 1,613,938 alleles (0.000062%); highest among the groups gnomAD compares: African/African-American, 0.0013%; no homozygotes.

Submissions (2):

Ambry Genetics
Classification: Uncertain significance. Last evaluated: 2024-09-30. Review status: criteria provided, single submitter. Criteria: Ambry Variant Classification Scheme 2023. Collection method: clinical testing. Allele origin: germline.
Comment: The p.S383F variant (also known as c.1148C>T), located in coding exon 9 of the FAM175A gene, results from a C to T substitution at nucleotide position 1148. The serine at codon 383 is replaced by phenylalanine, an amino acid with highly dissimilar properties. This amino acid position is conserved. In addition, this alteration is predicted to be tolerated by in silico analysis. Since supporting evidence is limited at this time, the clinical significance of this alteration remains unclear.

Labcorp Genetics (formerly Invitae), Labcorp
Classification: Uncertain significance. Last evaluated: 2017-11-08. Review status: criteria provided, single submitter. Criteria: Invitae Variant Classification Sherloc (09022015). Collection method: clinical testing. Allele origin: germline.
Comment: This variant is not present in population databases (ExAC no frequency). In summary, the available evidence is currently insufficient to determine the role of this variant in disease. Therefore, it has been classified as a Variant of Uncertain Significance. Algorithms developed to predict the effect of missense changes on protein structure and function output the following: SIFT: "Tolerated"; PolyPhen-2: "Benign"; Align-GVGD: "Class C0". The phenylalanine amino acid residue is found in multiple mammalian species, suggesting that this missense change does not adversely affect protein function. These predictions have not been confirmed by published functional studies and their clinical significance is uncertain. This variant has not been reported in the literature in individuals with FAM175A-related disease. This sequence change replaces serine with phenylalanine at codon 383 of the FAM175A protein (p.Ser383Phe). The serine residue is moderately conserved and there is a large physicochemical difference between serine and phenylalanine.

NM_139076.3(ABRAXAS1):c.1148C>T (p.Ser383Phe)

Gene: ABRAXAS1 (abraxas 1, BRCA1 A complex subunit; minus strand). Cytogenetic location: 4q21.23.
Variant type: single nucleotide variant.
Coding change: c.1148C>T on transcript NM_139076.3 (MANE Select); coding-DNA position 1148, C replaced by T.
Protein change: p.Ser383Phe; replaces serine 383 with phenylalanine.
Molecular consequence: missense variant.
Genome position (GRCh38, 1-based): chr4:83,462,551, G>A on the plus strand (C>T on the coding strand, the complement: ABRAXAS1 is on the minus strand). VCF-style: chr4-83462551-G-A. GRCh37 (hg19) VCF-style: chr4-84383704-G-A.
Other names: c.821C>T, p.Ser274Phe (NM_001345962.2); short protein forms S274F, S383F.
Identifiers: ClinVar variation 1039222 (VCV001039222.12), dbSNP rs1722159207, ClinGen allele CA357255028.